The following is an entry in ClinVar:

NM_005732.4(RAD50):c.3410G>T (p.Ser1137Ile)

Genes: RAD50 (RAD50 double strand break repair protein; plus strand), TH2-LCR (Th2 cytokine locus control region; plus strand), TH2LCRR (T helper type 2 locus control region associated RNA; minus strand). Cytogenetic location: 5q31.1.
Variant type: single nucleotide variant.
Coding change: c.3410G>T on transcript NM_005732.4 (MANE Select); coding-DNA position 3410, G replaced by T.
Protein change: p.Ser1137Ile; replaces serine 1137 with isoleucine.
Molecular consequence: missense variant.
Genome position (GRCh38, 1-based): chr5:132,637,135, G>T. VCF-style: chr5-132637135-G-T. GRCh37 (hg19) VCF-style: chr5-131972827-G-T.
Other names: short protein forms S1137I.
Identifiers: ClinVar variation 568306 (VCV000568306.11), dbSNP rs1554100855, ClinGen allele CA360929861.

ClinVar aggregate classification (germline): Uncertain significance. Review status: criteria provided, multiple submitters, no conflicts (2 of 4 stars). 2 submissions from 2 submitters: Uncertain significance (2). Last evaluated 2025-12-08.

Conditions:
Hereditary cancer-predisposing syndrome. Also called: Neoplastic Syndromes, Hereditary; Hereditary Cancer Syndrome; Hereditary neoplastic syndrome; Tumor predisposition. Identifiers: Orphanet 140162, MedGen C0027672, MeSH D009386, MONDO:0015356.

Allele frequency attached by ClinVar (database versions not stated): gnomAD exomes below 0.00001.
gnomAD v4.1: 1 of 1,610,386 alleles (0.000062%); highest among the groups gnomAD compares: Admixed American, 0.0017%; no homozygotes.

Submissions (2):

Labcorp Genetics (formerly Invitae), Labcorp
Classification: Uncertain significance for Hereditary cancer-predisposing syndrome. Last evaluated: 2025-12-08. Review status: criteria provided, single submitter. Criteria: Invitae Variant Classification Sherloc (09022015). Collection method: clinical testing. Allele origin: germline.
Comment: This sequence change replaces serine, which is neutral and polar, with isoleucine, which is neutral and non-polar, at codon 1137 of the RAD50 protein (p.Ser1137Ile). This variant is not present in population databases (gnomAD no frequency). This variant has not been reported in the literature in individuals affected with RAD50-related conditions. ClinVar contains an entry for this variant (Variation ID: 568306). Invitae Evidence Modeling of protein sequence and biophysical properties (such as structural, functional, and spatial information, amino acid conservation, physicochemical variation, residue mobility, and thermodynamic stability) indicates that this missense variant is expected to disrupt RAD50 protein function with a positive predictive value of 80%. In summary, the available evidence is currently insufficient to determine the role of this variant in disease. Therefore, it has been classified as a Variant of Uncertain Significance.

Dasa
Classification: Uncertain significance. Last evaluated: 2025-11-15. Review status: criteria provided, single submitter. Criteria: DASA Assertion Criteria. Collection method: clinical testing. Allele origin: germline.
Comment: NM_005732.4(RAD50):c.3410G>T (p.Ser1137Ile) is a missense variant that results in the substitution of serine with isoleucine. This variant is rare in population databases. The currently available literature and clinical evidence are not sufficient to establish a definitive association between this variant and the reported condition. Therefore, this variant is classified as a variant of uncertain significance.